The following is an entry in ClinVar:

ClinVar aggregate classification (germline): Uncertain significance (1 of 4 stars; one submission).

Allele frequency attached by ClinVar (database versions not stated): gnomAD exomes 0.00002 and 0.00005; gnomAD 0.00003 and 0.00004; TOPMed 0.00003; 1000 Genomes Project 30x 0.00016; 1000 Genomes Project 0.00020.
gnomAD v4.1: 79 of 1,613,398 alleles (0.0049%); highest among the groups gnomAD compares: Non-Finnish European, 0.0064%; no homozygotes.

Submission:

Labcorp Genetics (formerly Invitae), Labcorp
Classification: Uncertain significance. Last evaluated: 2021-02-16. Review status: criteria provided, single submitter. Criteria: Invitae Variant Classification Sherloc (09022015). Collection method: clinical testing. Allele origin: germline.
Comment: This variant has not been reported in the literature in individuals with H6PD-related conditions. This variant is not present in population databases (ExAC no frequency). This sequence change replaces alanine with valine at codon 739 of the H6PD protein (p.Ala739Val). The alanine residue is highly conserved and there is a small physicochemical difference between alanine and valine. Algorithms developed to predict the effect of missense changes on protein structure and function (SIFT, PolyPhen-2, Align-GVGD) all suggest that this variant is likely to be disruptive, but these predictions have not been confirmed by published functional studies and their clinical significance is uncertain. In summary, the available evidence is currently insufficient to determine the role of this variant in disease. Therefore, it has been classified as a Variant of Uncertain Significance.

NM_004285.4(H6PD):c.2216C>T (p.Ala739Val)

Gene: H6PD (hexose-6-phosphate dehydrogenase/glucose 1-dehydrogenase; plus strand). Cytogenetic location: 1p36.22.
Variant type: single nucleotide variant.
Coding change: c.2216C>T on transcript NM_004285.4 (MANE Select); coding-DNA position 2216, C replaced by T.
Protein change: p.Ala739Val; replaces alanine 739 with valine.
Molecular consequence: missense variant.
Genome position (GRCh38, 1-based): chr1:9,264,709, C>T. VCF-style: chr1-9264709-C-T. GRCh37 (hg19) VCF-style: chr1-9324768-C-T.
Other names: c.2249C>T, p.Ala750Val (NM_001282587.2); short protein forms A739V, A750V.
Identifiers: ClinVar variation 1394058 (VCV001394058.8), dbSNP rs202198675, ClinGen allele CA17752206.
Genomic context (GRCh38, chr1:9,264,709, plus strand): 5'-CCACGAGCCCCTCCCAGCCACACCGCCGCATGAGCCTTAGCCTGCCTCTCATCAACCGCG[C>T]CAAGAAGGTGGCAGTCCTGGTCATGGGCAGGATGAAGCGTGAGATCACCACGCTGGTGAG-3'
Protein context (NP_004276.2, residues 729-749): MSLSLPLINR[Ala739Val]KKVAVLVMGR